The following is an entry in ClinVar:

ClinVar aggregate classification (germline): Uncertain significance (1 of 4 stars; one submission).

Conditions:
Neurodevelopmental disorder with speech impairment and with or without seizures. Also called: Neurodevelopmental disorder with variable intellectual disability and speech impairment, with or without seizures. Identifiers: MedGen C5774252, MONDO:0859313, OMIM 620114.

gnomAD v4.1: 1 of 1,613,154 alleles (0.000062%); highest among the groups gnomAD compares: Non-Finnish European, 0.000085%; no homozygotes.

Submission:

Clinical Genomics Laboratory, Washington University in St. Louis
Classification: Uncertain significance for Neurodevelopmental disorder with speech impairment and with or without seizures. Last evaluated: 2026-05-02. Review status: criteria provided, single submitter. Criteria: ACMG Guidelines, 2015. Collection method: clinical testing. Allele origin: germline.
Comment: The CACNA1I c.4129G>A (p.Ala1377Thr) variant, to our knowledge, has not been reported in the medical literature. This variant is absent from the general population (gnomAD v2.1.1), indicating it is not a common variant. Computational predictors indicate that the variant is damaging, evidence that correlates with impact to CACNA1I function. Due to limited information, the clinical significance of this variant is uncertain.

NM_021096.4(CACNA1I):c.4129G>A (p.Ala1377Thr)

Gene: CACNA1I (calcium voltage-gated channel subunit alpha1 I; plus strand). Cytogenetic location: 22q13.1.
Variant type: single nucleotide variant.
Coding change: c.4129G>A on transcript NM_021096.4 (MANE Select); coding-DNA position 4129, G replaced by A.
Protein change: p.Ala1377Thr; replaces alanine 1377 with threonine.
Molecular consequence: missense variant.
Genome position (GRCh38, 1-based): chr22:39,668,316, G>A. VCF-style: chr22-39668316-G-A. GRCh37 (hg19) VCF-style: chr22-40064321-G-A.
Other names: c.4024G>A, p.Ala1342Thr (NM_001003406.2); short protein forms A1342T, A1377T.
Identifiers: ClinVar variation 4879296 (VCV004879296.1).